The following is an entry in ClinVar:

ClinVar aggregate classification (germline): Uncertain significance. Review status: criteria provided, single submitter (1 of 4 stars). 3 submissions from 2 submitters: Uncertain significance (1). 2 of the submissions do not count toward it. Last evaluated 2022-10-03.

Conditions:
HPRT EDINBURGH.
Lesch-Nyhan syndrome (LNS). Also called: HPRT DEFICIENCY, COMPLETE; Lesch-Nyhan Disease (LND). Identifiers: Orphanet 510, MedGen C0023374, MONDO:0010298, OMIM 300322.
Partial hypoxanthine-guanine phosphoribosyltransferase deficiency. Also called: HPRT DEFICIENCY, PARTIAL; HYPOXANTHINE GUANINE PHOSPHORIBOSYLTRANSFERASE 1 DEFICIENCY, PARTIAL; HPRT1 DEFICIENCY, PARTIAL; Kelley-Seegmiller Syndrome; GOUT, HPRT-RELATED. Identifiers: Orphanet 79233, MedGen C0268117, MONDO:0010299, OMIM 300323.

Submissions (3):

Labcorp Genetics (formerly Invitae), Labcorp
Classification: Uncertain significance for Lesch-Nyhan syndrome; Partial hypoxanthine-guanine phosphoribosyltransferase deficiency. Last evaluated: 2022-10-03. Review status: criteria provided, single submitter. Criteria: Invitae Variant Classification Sherloc (09022015). Collection method: clinical testing. Allele origin: germline.
Comment: In summary, the available evidence is currently insufficient to determine the role of this variant in disease. Therefore, it has been classified as a Variant of Uncertain Significance. Algorithms developed to predict the effect of missense changes on protein structure and function are either unavailable or do not agree on the potential impact of this missense change (SIFT: "Tolerated"; PolyPhen-2: "Possibly Damaging"; Align-GVGD: "Class C0"). ClinVar contains an entry for this variant (Variation ID: 10079). This missense change has been observed in individual(s) with hyperuricemia (PMID: 1551676, 2516172). This variant is not present in population databases (gnomAD no frequency). This sequence change replaces aspartic acid, which is acidic and polar, with glycine, which is neutral and non-polar, at codon 52 of the HPRT1 protein (p.Asp52Gly).

OMIM
Classification: Pathogenic for HYPERURICEMIA, HPRT-RELATED. Last evaluated: 1992-03-01. Review status: no assertion criteria provided. Collection method: literature only. Allele origin: germline. Not counted in ClinVar's aggregate classification.

OMIM
Classification: other for HPRT EDINBURGH. Last evaluated: 1992-03-01. Review status: no assertion criteria provided. Collection method: literature only. Allele origin: germline. Not counted in ClinVar's aggregate classification.

Literature cited by the submitters: PubMed 1551676 (cited by Labcorp Genetics (formerly Invitae), Labcorp and OMIM); PubMed 2516172 (cited by Labcorp Genetics (formerly Invitae), Labcorp and OMIM).

NM_000194.2(HPRT1):c.155A>G (p.Asp52Gly)

Gene: HPRT1 (hypoxanthine phosphoribosyltransferase 1; plus strand). Cytogenetic location: Xq26.2.
Variant type: single nucleotide variant.
Coding change: c.155A>G on transcript NM_000194.2; coding-DNA position 155, A replaced by G.
Protein change: p.Asp52Gly; replaces aspartic acid 52 with glycine.
Molecular consequence: missense variant (on NM_000194.3).
Genome position (GRCh38, 1-based): chrX:134,475,201, A>G. VCF-style: chrX-134475201-A-G. GRCh37 (hg19) VCF-style: chrX-133609231-A-G.
Other names: c.155A>G, p.Asp52Gly (NM_000194.3); short protein forms D52G.
Identifiers: ClinVar variation 10079 (VCV000010079.9), dbSNP rs137852502, ClinGen allele CA120909.